The following is an entry in ClinVar:

ClinVar aggregate classification (germline): Uncertain significance (1 of 4 stars; one submission).

Allele frequency attached by ClinVar (database versions not stated): TOPMed 0.00001.
gnomAD v4.1: 3 of 1,612,796 alleles (0.00019%); highest among the groups gnomAD compares: Non-Finnish European, 0.00025%; no homozygotes.

Submission:

Labcorp Genetics (formerly Invitae), Labcorp
Classification: Uncertain significance. Last evaluated: 2024-09-10. Review status: criteria provided, single submitter. Criteria: Invitae Variant Classification Sherloc (09022015). Collection method: clinical testing. Allele origin: germline.
Comment: This sequence change replaces proline, which is neutral and non-polar, with serine, which is neutral and polar, at codon 785 of the COL11A2 protein (p.Pro785Ser). This variant is not present in population databases (gnomAD no frequency). This variant has not been reported in the literature in individuals affected with COL11A2-related conditions. ClinVar contains an entry for this variant (Variation ID: 1497274). Invitae Evidence Modeling of protein sequence and biophysical properties (such as structural, functional, and spatial information, amino acid conservation, physicochemical variation, residue mobility, and thermodynamic stability) indicates that this missense variant is not expected to disrupt COL11A2 protein function with a negative predictive value of 95%. In summary, the available evidence is currently insufficient to determine the role of this variant in disease. Therefore, it has been classified as a Variant of Uncertain Significance.

NM_080680.3(COL11A2):c.2353C>T (p.Pro785Ser)

Gene: COL11A2 (collagen type XI alpha 2 chain; minus strand). Cytogenetic location: 6p21.32.
Variant type: single nucleotide variant.
Coding change: c.2353C>T on transcript NM_080680.3 (MANE Select); coding-DNA position 2353, C replaced by T.
Protein change: p.Pro785Ser; replaces proline 785 with serine.
Molecular consequence: missense variant.
Genome position (GRCh38, 1-based): chr6:33,175,597, G>A on the plus strand (C>T on the coding strand, the complement: COL11A2 is on the minus strand). VCF-style: chr6-33175597-G-A. GRCh37 (hg19) VCF-style: chr6-33143374-G-A.
Other names: c.2032C>T, p.Pro678Ser (NM_080679.3); c.2095C>T, p.Pro699Ser (NM_080681.3); short protein forms P699S, P678S, P785S.
Identifiers: ClinVar variation 1497274 (VCV001497274.8), dbSNP rs1244982404, ClinGen allele CA363646562.